The following is an entry in ClinVar:

ClinVar aggregate classification (germline): Conflicting classifications of pathogenicity. Review status: criteria provided, conflicting classifications (1 of 4 stars). 4 submissions from 4 submitters: Uncertain significance (1); Likely benign (3). Last evaluated 2026-06-01.

Conditions:
Hypogonadotropic hypogonadism 5 with or without anosmia (KAL5). Also called: HYPOGONADOTROPIC HYPOGONADISM 5 WITH ANOSMIA; HYPOGONADOTROPHIC HYPOGONADISM 5 WITHOUT ANOSMIA; CHD7-Related GnRH Deficiency (Kallmann Syndrome 5). Identifiers: Orphanet 478, MedGen C3552553, MONDO:0012880, OMIM 612370. Disease mechanism: loss of function.
CHARGE syndrome (CHARGE). Also called: Coloboma, heart anomaly, choanal atresia, retardation, genital and ear anomalies; CHARGE association; Hall-Hittner syndrome; Hittner Hirsch Kreh syndrome; CHARGE ASSOCIATION--COLOBOMA, HEART ANOMALY, CHOANAL ATRESIA, RETARDATION, GENITAL AND EAR ANOMALIES. Identifiers: Orphanet 138, MedGen C0265354, MONDO:0008965.
Inborn genetic diseases. Identifiers: MedGen C0950123, MeSH D030342.

Allele frequency attached by ClinVar (database versions not stated): gnomAD exomes 0.00002 and 0.00003; TOPMed 0.00002; ExAC 0.00003; gnomAD 0.00004; ESP Exome Variant Server 0.00009.
gnomAD v4.1: 37 of 1,570,928 alleles (0.0024%); highest among the groups gnomAD compares: Admixed American, 0.0056%; no homozygotes.

Submissions (4):

CeGaT Center for Human Genetics Tuebingen
Classification: Likely benign. Last evaluated: 2026-06-01. Review status: criteria provided, single submitter. Criteria: CeGaT Center For Human Genetics Tuebingen Variant Classification Criteria Version 2. Collection method: clinical testing. Allele origin: germline. Affected: yes. Observed: 2 variant alleles.
Comment: CHD7: BP4, BP7

Labcorp Genetics (formerly Invitae), Labcorp
Classification: Likely benign for CHARGE syndrome. Last evaluated: 2025-11-09. Review status: criteria provided, single submitter. Criteria: Invitae Variant Classification Sherloc (09022015). Collection method: clinical testing. Allele origin: germline.

Illumina Laboratory Services, Illumina
Classification: Uncertain significance for Kallmann Syndrome 5. Last evaluated: 2018-01-13. Review status: criteria provided, single submitter. Criteria: ICSL Variant Classification Criteria 13 December 2019. Collection method: clinical testing. Allele origin: germline.

Ambry Genetics
Classification: Likely benign for Inborn genetic diseases. Last evaluated: 2016-09-30. Review status: criteria provided, single submitter. Criteria: Ambry Variant Classification Scheme 2023. Collection method: clinical testing. Allele origin: germline.

NM_017780.4(CHD7):c.5589G>A (p.Pro1863=)

Gene: CHD7 (chromodomain helicase DNA binding protein 7; plus strand). Cytogenetic location: 8q12.2.
Variant type: single nucleotide variant.
Coding change: c.5589G>A on transcript NM_017780.4 (MANE Select); coding-DNA position 5589, G replaced by A.
Protein change: p.Pro1863=; no amino-acid change (proline 1863 retained).
Molecular consequence: synonymous variant. On other transcripts: intron variant (1).
Genome position (GRCh38, 1-based): chr8:60,851,086, G>A. VCF-style: chr8-60851086-G-A. GRCh37 (hg19) VCF-style: chr8-61763645-G-A.
Other names: c.1717-11143G>A (NM_001316690.1).
Identifiers: ClinVar variation 588304 (VCV000588304.53), dbSNP rs376806146, ClinGen allele CA4760405.
Genomic context (GRCh38, chr8:60,851,086, plus strand): 5'-ACATAGGGGAGAATTTGATAGAGAAGATGAAGACCCAGAATATAAACCAACCAGAACACC[G>A]TTCAAAGATGAAATAGATGTATGAACTTGAGTATATTGGCTTTTATAGCTCCATTAAAAT-3'
Protein context (NP_060250.2, residues 1853-1873): EDPEYKPTRT[Pro1863=]FKDEIDEFAN